The following is an entry in ClinVar:

NM_001165963.4(SCN1A):c.3821A>C (p.Tyr1274Ser)

Genes: SCN1A (sodium voltage-gated channel alpha subunit 1; minus strand), LOC102724058 (uncharacterized LOC102724058; plus strand). Cytogenetic location: 2q24.3.
Variant type: single nucleotide variant.
Coding change: c.3821A>C on transcript NM_001165963.4 (MANE Select); coding-DNA position 3821, A replaced by C.
Protein change: p.Tyr1274Ser; replaces tyrosine 1274 with serine.
Molecular consequence: missense variant. On other transcripts: non-coding transcript variant (1).
Genome position (GRCh38, 1-based): chr2:166,012,167, T>G on the plus strand (A>C on the coding strand, the complement: SCN1A is on the minus strand). VCF-style: chr2-166012167-T-G. GRCh37 (hg19) VCF-style: chr2-166868677-T-G.
Other names: c.3737A>C, p.Tyr1246Ser (NM_001165964.3, NM_001353957.2, NM_001353958.2); c.3821A>C, p.Tyr1274Ser (NM_001202435.3, NM_001353948.2); c.3788A>C, p.Tyr1263Ser (NM_001353949.2, NM_001353950.2, NM_001353951.2 and 2 more transcripts); c.3785A>C, p.Tyr1262Ser (NM_001353954.2, NM_001353955.2); c.3734A>C, p.Tyr1245Ser (NM_001353960.2); c.1379A>C, p.Tyr460Ser (NM_001353961.2); short protein forms Y1263S, Y1274S, Y1246S, Y460S, Y1245S, Y1262S.
Identifiers: ClinVar variation 190028 (VCV000190028.1), dbSNP rs794726852, ClinGen allele CA303594.

ClinVar aggregate classification (germline): Pathogenic (1 of 4 stars; one submission).

Conditions:
Severe myoclonic epilepsy in infancy (DRVT). Also called: Epileptic encephalopathy, early infantile, 6 (Dravet syndrome); SEVERE MYOCLONIC EPILEPSY OF INFANCY; DEVELOPMENTAL AND EPILEPTIC ENCEPHALOPATHY 6A; Severe Myoclonic Epilepsy in Infancy (SMEI); Dravet syndrome. Identifiers: Orphanet 33069, MedGen C0751122, MONDO:0100135, OMIM 607208.

Submission:

Center for Bioinformatics, Peking University
Classification: Pathogenic for Dravet syndrome. Last evaluated: 2014-12-20. Review status: criteria provided, single submitter. Criteria: Xu et al. (Hum Mutat. 2015). Collection method: research. Allele origin: de novo. Affected: yes. Observed: 1 variant allele. Study: University Clinical Cooperation “985 Project” PKU-2014-1-1.
Comment: Dravet syndrome (DS) probands were recruited from the outpatient and inpatient child neurology units of Peking University First Hospital from 2005 till present. The study was approved by the Ethics Committee of Peking University First Hospital and the Institutional Review Board at Peking University. Participants or their parents provided written informed consent before enrollment. We collected a total of 267 mutations from 255 families with probands diagnosed with DS in China. All probands fulfilled the clinical diagnostic criteria.